The following is an entry in ClinVar:

ClinVar aggregate classification (germline): Pathogenic. Review status: criteria provided, multiple submitters, no conflicts (2 of 4 stars). 2 submissions from 2 submitters: Pathogenic (2). Last evaluated 2022-03-20.

Conditions:
Spinocerebellar ataxia type 6 (SCA6). Identifiers: Orphanet 98758, MedGen C0752124, MONDO:0008457, OMIM 183086.
Episodic ataxia type 2 (EA2). Also called: EPISODIC ATAXIA, NYSTAGMUS-ASSOCIATED; ACETAZOLAMIDE-RESPONSIVE HEREDITARY PAROXYSMAL CEREBELLAR ATAXIA; ATAXIA, EPISODIC, WITH NYSTAGMUS; ATAXIA, FAMILIAL PAROXYSMAL; CEREBELLAR ATAXIA, PAROXYSMAL, ACETAZOLAMIDE-RESPONSIVE; CEREBELLOPATHY, HEREDITARY PAROXYSMAL. Identifiers: Orphanet 97, MedGen C1720416, MONDO:0007163, OMIM 108500.
Migraine, familial hemiplegic, 1. Also called: MIGRAINE, FAMILIAL HEMIPLEGIC 1, WITH PROGRESSIVE CEREBELLAR ATAXIA. Identifiers: Orphanet 569, MedGen C1832884, MONDO:0020756, OMIM 141500, MONDO:0007714.
Developmental and epileptic encephalopathy, 52 (DEE52). Also called: Epileptic encephalopathy, early infantile, 52. Identifiers: MedGen C4479236, MONDO:0033361, OMIM 617350.
Developmental and epileptic encephalopathy, 42 (DEE42A). Also called: Epileptic encephalopathy, early infantile, 42; DEVELOPMENTAL AND EPILEPTIC ENCEPHALOPATHY 42A; EPILEPTIC ENCEPHALOPATHY, EARLY INFANTILE, 42A. Identifiers: MedGen C4310716, MONDO:0014917, OMIM 617106.

Submissions (2):

Wendy Chung Laboratory, Boston Children's Hospital
Classification: Pathogenic for Developmental and epileptic encephalopathy, 52; Episodic ataxia type 2; Migraine, familial hemiplegic, 1; Spinocerebellar ataxia type 6. Last evaluated: 2022-03-20. Review status: criteria provided, single submitter. Criteria: ACMG Guidelines, 2015. Collection method: clinical testing. Allele origin: unknown. Affected: yes.

Labcorp Genetics (formerly Invitae), Labcorp
Classification: Pathogenic for Developmental and epileptic encephalopathy, 42; Episodic ataxia type 2. Last evaluated: 2022-02-21. Review status: criteria provided, single submitter. Criteria: Invitae Variant Classification Sherloc (09022015). Collection method: clinical testing. Allele origin: germline.
Comment: For these reasons, this variant has been classified as Pathogenic. Algorithms developed to predict the effect of sequence changes on RNA splicing suggest that this variant may disrupt the consensus splice site. ClinVar contains an entry for this variant (Variation ID: 835237). This variant has not been reported in the literature in individuals affected with CACNA1A-related conditions. This variant is not present in population databases (gnomAD no frequency). This sequence change creates a premature translational stop signal (p.Tyr546*) in the CACNA1A gene. It is expected to result in an absent or disrupted protein product. Loss-of-function variants in CACNA1A are known to be pathogenic (PMID: 10371528, 19486177, 25735478, 27250579).

Literature cited by the submitters: PubMed 10371528 (cited by Labcorp Genetics (formerly Invitae), Labcorp); PubMed 19486177 (cited by Labcorp Genetics (formerly Invitae), Labcorp); PubMed 25735478 (cited by Labcorp Genetics (formerly Invitae), Labcorp); PubMed 27250579 (cited by Labcorp Genetics (formerly Invitae), Labcorp).

NM_001127222.2(CACNA1A):c.1635C>A (p.Tyr545Ter)

Gene: CACNA1A (calcium voltage-gated channel subunit alpha1 A; minus strand). Cytogenetic location: 19p13.13.
Variant type: single nucleotide variant.
Coding change: c.1635C>A on transcript NM_001127222.2 (MANE Select); coding-DNA position 1635, C replaced by A.
Protein change: p.Tyr545Ter; replaces tyrosine 545 with a stop codon.
Molecular consequence: nonsense.
Genome position (GRCh38, 1-based): chr19:13,312,702, G>T on the plus strand (C>A on the coding strand, the complement: CACNA1A is on the minus strand). VCF-style: chr19-13312702-G-T. GRCh37 (hg19) VCF-style: chr19-13423516-G-T.
Other names: c.1638C>A, p.Tyr546Ter (NM_000068.4, NM_001127221.2, NM_001174080.2 and 1 more transcripts); short protein forms Y546*, Y545*.
Identifiers: ClinVar variation 835237 (VCV000835237.9), dbSNP rs1427473572, ClinGen allele CA404345355.